The following is an entry in ClinVar:

NM_177550.5(SLC13A5):c.395_396del (p.Thr132fs)

Gene: SLC13A5 (solute carrier family 13 member 5; minus strand). Cytogenetic location: 17p13.1.
Variant type: Microsatellite.
Coding change: c.395_396del on transcript NM_177550.5 (MANE Select); coding-DNA positions 395 to 396, 2 bases deleted (CA; older notation c.395_396delCA).
Protein change: p.Thr132fs; shifts the reading frame from threonine 132.
Molecular consequence: frameshift variant. On other transcripts: intron variant (1).
Genome position (GRCh38, 1-based): chr17:6,704,029-6,704,030, TG deleted on the plus strand (CA on the coding strand, the reverse complement: SLC13A5 is on the minus strand); deleting any 2 consecutive bases within chr17:6,704,029-6,704,032 gives the same sequence; the c. name uses the placement nearest the transcript's 3' end. VCF-style (leftmost placement, unchanged base first): chr17-6704028-CTG-C. GRCh37 (hg19) VCF-style: chr17-6607347-CTG-C.
Other names: c.395_396del, p.Thr132fs (NM_001143838.3); c.266_267del, p.Thr89fs (NM_001284510.2); c.369-25_369-24del (NM_001284509.2); short protein forms T132fs, T89fs.
Identifiers: ClinVar variation 3639979 (VCV003639979.2).

ClinVar aggregate classification (germline): Pathogenic (1 of 4 stars; one submission).

Conditions:
Developmental and epileptic encephalopathy, 25 (DEE25). Also called: Developmental and epileptic encephalopathy 25, with amelogenesis imperfecta; Epileptic encephalopathy, early infantile, 25, with amelogenesis imperfecta; Epileptic encephalopathy, early infantile, 25. Identifiers: Orphanet 442835, MedGen C4014621, MONDO:0014392, OMIM 615905.

Submission:

Labcorp Genetics (formerly Invitae), Labcorp
Classification: Pathogenic for Developmental and epileptic encephalopathy, 25. Last evaluated: 2024-02-09. Review status: criteria provided, single submitter. Criteria: Invitae Variant Classification Sherloc (09022015). Collection method: clinical testing. Allele origin: germline.
Comment: This sequence change creates a premature translational stop signal (p.Thr132Serfs*9) in the SLC13A5 gene. It is expected to result in an absent or disrupted protein product. Loss-of-function variants in SLC13A5 are known to be pathogenic (PMID: 24995870, 26384929). This variant is not present in population databases (gnomAD no frequency). This variant has not been reported in the literature in individuals affected with SLC13A5-related conditions. For these reasons, this variant has been classified as Pathogenic.

Literature cited by the submitters: PubMed 24995870; PubMed 26384929.